The following is an entry in ClinVar:

NM_000219.6(KCNE1):c.138C>A (p.Tyr46Ter)

Gene: KCNE1 (potassium voltage-gated channel subfamily E regulatory subunit 1; minus strand). Cytogenetic location: 21q22.12.
Variant type: single nucleotide variant.
Coding change: c.138C>A on transcript NM_000219.6 (MANE Select); coding-DNA position 138, C replaced by A.
Protein change: p.Tyr46Ter; replaces tyrosine 46 with a stop codon.
Molecular consequence: nonsense.
Genome position (GRCh38, 1-based): chr21:34,449,497, G>T on the plus strand (C>A on the coding strand, the complement: KCNE1 is on the minus strand). VCF-style: chr21-34449497-G-T. GRCh37 (hg19) VCF-style: chr21-35821795-G-T.
Other names: c.138C>A, p.Tyr46Ter (NM_001270404.3, NM_001270405.3, NM_001127668.4 and 4 more transcripts); short protein forms Y46*.
Identifiers: ClinVar variation 547162 (VCV000547162.5), dbSNP rs758346045, ClinGen allele CA320425430.

ClinVar aggregate classification (germline): Pathogenic. Review status: criteria provided, single submitter (1 of 4 stars). 2 submissions from 2 submitters: Pathogenic (1). 1 of the submissions does not count toward it. Last evaluated 2024-03-07.

Conditions:
Long QT syndrome (LQTS). Identifiers: MedGen C0023976, MeSH D008133, MONDO:0002442. Disease mechanism: loss of function. Inheritance: Various modes of inheritance.
Jervell and Lange-Nielsen syndrome 2 (JLNS2). Identifiers: Orphanet 768, Orphanet 90647, MedGen C2676723, MONDO:0012871, OMIM 612347.

Allele frequency attached by ClinVar (database versions not stated): gnomAD exomes below 0.00001.

Submissions (3):

Labcorp Genetics (formerly Invitae), Labcorp
Classification: Pathogenic for Long QT syndrome. Last evaluated: 2024-03-07. Review status: criteria provided, single submitter. Criteria: Invitae Variant Classification Sherloc (09022015). Collection method: clinical testing. Allele origin: germline.
Comment: This sequence change creates a premature translational stop signal (p.Tyr46*) in the KCNE1 gene. While this is not anticipated to result in nonsense mediated decay, it is expected to disrupt the last 84 amino acid(s) of the KCNE1 protein. This variant is present in population databases (rs758346045, gnomAD 0.01%). This premature translational stop signal has been observed in individual(s) with nonsyndromic deafness (PMID: 30461122). ClinVar contains an entry for this variant (Variation ID: 547162). This variant disrupts a region of the KCNE1 protein in which other variant(s) (p.Arg98Trp) have been determined to be pathogenic (Invitae). This suggests that this is a clinically significant region of the protein, and that variants that disrupt it are likely to be disease-causing. For these reasons, this variant has been classified as Pathogenic.

National Institute on Deafness and Communication Disorders, National Institutes of Health
Classification: Pathogenic for Jervell and Lange-Nielsen syndrome 2. Last evaluated: 2018-06-21. Review status: no assertion criteria provided. Collection method: research. Allele origin: germline. Affected: yes. Observed: 1 homozygote. Segregation with disease observed. Not counted in ClinVar's aggregate classification.

Roden Lab, Vanderbilt University Medical Center
No classification provided (evidence only). Condition: Long QT syndrome 5. Review status: no classification provided. Collection method: in vitro. Allele origin: not applicable. Functional consequence: Effect on ion channel function. Not counted in ClinVar's aggregate classification.
ClinVar note: "not provided" was previously submitted as the classification for the variant. However, the classification appeared to be based only on an observation of functional data so it was converted to no classification on 2025-07-30.

Literature cited by the submitters: PubMed 30461122 (cited by Labcorp Genetics (formerly Invitae), Labcorp).